The following is an entry in ClinVar:

NM_177438.3(DICER1):c.2739G>A (p.Lys913=)

Gene: DICER1 (dicer 1, ribonuclease III; minus strand). Cytogenetic location: 14q32.13.
Variant type: single nucleotide variant.
Coding change: c.2739G>A on transcript NM_177438.3 (MANE Select); coding-DNA position 2739, G replaced by A.
Protein change: p.Lys913=; no amino-acid change (lysine 913 retained).
Molecular consequence: synonymous variant. On other transcripts: non-coding transcript variant (6).
Genome position (GRCh38, 1-based): chr14:95,107,673, C>T on the plus strand (G>A on the coding strand, the complement: DICER1 is on the minus strand). VCF-style: chr14-95107673-C-T. GRCh37 (hg19) VCF-style: chr14-95574010-C-T.
Other names: c.2739G>A, p.Lys913= (NM_001195573.1, NM_001271282.3, NM_001291628.2 and 12 more transcripts); c.2457G>A, p.Lys819= (NM_001395686.1); c.2334G>A, p.Lys778= (NM_001395687.1, NM_001395688.1, NM_001395689.1 and 2 more transcripts); c.2172G>A, p.Lys724= (NM_001395691.1); c.1056G>A, p.Lys352= (NM_001395697.1).
Identifiers: ClinVar variation 4875860 (VCV004875860.1).
Genomic context (GRCh38, chr14:95,107,673, plus strand): 5'-AATGATAACGGCATCTTGGTAATCTTCTAATTTAAAAACAAAGGGTGTTTCTTTTGTATA[C>T]TTTGTACTGGGAATGCCTATGCGAGCTTCAGACTTCTCAATATCTTCCATGAATTTAAAG-3'
Protein context (NP_803187.1, residues 903-923): SEARIGIPST[Lys913=]YTKETPFVFK

ClinVar aggregate classification (germline): Benign (1 of 4 stars; one submission).

Conditions:
DICER1-related tumor predisposition. Also called: DICER1 syndrome; DICER1-related pleuropulmonary blastoma cancer predisposition syndrome. Identifiers: Orphanet 284343, MedGen C3839822, MONDO:0100216.

Submission:

Myriad Genetics, Inc.
Classification: Benign for DICER1-related tumor predisposition. Last evaluated: 2026-04-16. Review status: criteria provided, single submitter. Criteria: Myriad Autosomal Dominant, Autosomal Recessive and X-Linked Classification Criteria (2023). Collection method: clinical testing. Allele origin: unknown.
Comment: This variant is considered benign. This variant is a silent/synonymous amino acid change and it is not expected to impact splicing.